The following is an entry in ClinVar:

ClinVar aggregate classification (germline): Uncertain significance. Review status: criteria provided, multiple submitters, no conflicts (2 of 4 stars). 3 submissions from 3 submitters: Uncertain significance (3). Last evaluated 2025-03-12.

Conditions:
Epidermolysis bullosa simplex 5B, with muscular dystrophy (EBS5B). Also called: EPIDERMOLYSIS BULLOSA SIMPLEX AND LIMB-GIRDLE MUSCULAR DYSTROPHY; Epidermolysis bullosa simplex with muscular dystrophy. Identifiers: Orphanet 257, MedGen C2931072, MONDO:0009181, OMIM 226670.
Epidermolysis bullosa simplex with nail dystrophy (EBS5D). Identifiers: MedGen C4225309, MONDO:0014661, OMIM 616487.
Epidermolysis bullosa simplex 5C, with pyloric atresia (EBS5C). Also called: PLEC-Related Epidermolysis Bullosa with Pyloric Atresia; Epidermolysis bullosa simplex with pyloric atresia; PLEC1-Related Epidermolysis Bullosa with Pyloric Atresia. Identifiers: Orphanet 158684, MedGen C2677349, MONDO:0012807, OMIM 612138.
Autosomal recessive limb-girdle muscular dystrophy type 2Q (LGMDR17). Also called: MUSCULAR DYSTROPHY, LIMB-GIRDLE, AUTOSOMAL RECESSIVE 17. Identifiers: Orphanet 254361, MedGen C3150989, MONDO:0013390, OMIM 613723.
Epidermolysis bullosa simplex, Ogna type (EBS5A). Also called: EPIDERMOLYSIS BULLOSA SIMPLEX 5A, OGNA TYPE; Pidermolysis bullosa simplex 5A, Ogna type. Identifiers: Orphanet 79401, MedGen C0432317, MONDO:0007555, OMIM 131950.
Inborn genetic diseases. Identifiers: MedGen C0950123, MeSH D030342.

gnomAD v4.1: 48 of 1,588,972 alleles (0.003%); highest among the groups gnomAD compares: Non-Finnish European, 0.0038%; no homozygotes.

Submissions (3):

Labcorp Genetics (formerly Invitae), Labcorp
Classification: Uncertain significance for Autosomal recessive limb-girdle muscular dystrophy type 2Q; Epidermolysis bullosa simplex, Ogna type; Epidermolysis bullosa simplex with nail dystrophy; Epidermolysis bullosa simplex 5C, with pyloric atresia; Epidermolysis bullosa simplex 5B, with muscular dystrophy. Last evaluated: 2025-03-12. Review status: criteria provided, single submitter. Criteria: Invitae Variant Classification Sherloc (09022015). Collection method: clinical testing. Allele origin: germline.
Comment: This sequence change replaces arginine, which is basic and polar, with leucine, which is neutral and non-polar, at codon 2054 of the PLEC protein (p.Arg2054Leu). The frequency data for this variant in the population databases is considered unreliable, as metrics indicate poor data quality at this position in the gnomAD database. This variant has not been reported in the literature in individuals affected with PLEC-related conditions. ClinVar contains an entry for this variant (Variation ID: 2434956). An algorithm developed to predict the effect of missense changes on protein structure and function (PolyPhen-2) suggests that this variant is likely to be tolerated. In summary, the available evidence is currently insufficient to determine the role of this variant in disease. Therefore, it has been classified as a Variant of Uncertain Significance.

Ambry Genetics
Classification: Uncertain significance for Inborn genetic diseases. Last evaluated: 2023-04-08. Review status: criteria provided, single submitter. Criteria: Ambry Variant Classification Scheme 2023. Collection method: clinical testing. Allele origin: germline.

Revvity Omics, Revvity
Classification: Uncertain significance. Last evaluated: 2019-06-27. Review status: criteria provided, single submitter. Criteria: ACMG Guidelines, 2015. Collection method: clinical testing. Allele origin: germline.

NM_201384.3(PLEC):c.6080G>T (p.Arg2027Leu)

Gene: PLEC (plectin; minus strand). Cytogenetic location: 8q24.3.
Variant type: single nucleotide variant.
Coding change: c.6080G>T on transcript NM_201384.3 (MANE Select); coding-DNA position 6080, G replaced by T.
Protein change: p.Arg2027Leu; replaces arginine 2027 with leucine.
Molecular consequence: missense variant.
Genome position (GRCh38, 1-based): chr8:143,923,849, C>A on the plus strand (G>T on the coding strand, the complement: PLEC is on the minus strand). VCF-style: chr8-143923849-C-A. GRCh37 (hg19) VCF-style: chr8-144998017-C-A.
Other names: c.6161G>T, p.Arg2054Leu (NM_000445.5); c.6038G>T, p.Arg2013Leu (NM_201378.4); c.6014G>T, p.Arg2005Leu (NM_201379.3); c.6491G>T, p.Arg2164Leu (NM_201380.4); c.5984G>T, p.Arg1995Leu (NM_201381.3); c.6080G>T, p.Arg2027Leu (NM_201382.4); c.6092G>T, p.Arg2031Leu (NM_201383.3); short protein forms R1995L, R2005L, R2013L, R2027L, R2031L, R2054L, R2164L.
Identifiers: ClinVar variation 2434956 (VCV002434956.8), dbSNP rs782194846, ClinGen allele CA372539272.